The following is an entry in ClinVar:

NM_000038.6(APC):c.6305A>C (p.Lys2102Thr)

Gene: APC (APC regulator of Wnt signaling pathway; plus strand). Cytogenetic location: 5q22.2.
Variant type: single nucleotide variant.
Coding change: c.6305A>C on transcript NM_000038.6 (MANE Select); coding-DNA position 6305, A replaced by C.
Protein change: p.Lys2102Thr; replaces lysine 2102 with threonine.
Molecular consequence: missense variant.
Genome position (GRCh38, 1-based): chr5:112,841,899, A>C. VCF-style: chr5-112841899-A-C. GRCh37 (hg19) VCF-style: chr5-112177596-A-C.
Other names: c.6305A>C, p.Lys2102Thr (NM_001127510.3, NM_001354895.2); c.6251A>C, p.Lys2084Thr (NM_001127511.3); c.6359A>C, p.Lys2120Thr (NM_001354896.2); c.6335A>C, p.Lys2112Thr (NM_001354897.2); c.6230A>C, p.Lys2077Thr (NM_001354898.2); c.6221A>C, p.Lys2074Thr (NM_001354899.2); c.6182A>C, p.Lys2061Thr (NM_001354900.2); c.6128A>C, p.Lys2043Thr (NM_001354901.2); and 5 more; short protein forms K1819T, K2011T, K2061T, K2120T, K2074T, K2077T, K2112T, K1942T.
Identifiers: ClinVar variation 1507293 (VCV001507293.8), dbSNP rs768537375, ClinGen allele CA16035141.
Genomic context (GRCh38, chr5:112,841,899, plus strand): 5'-ATATACAGAGACCAGATTCAGAACATGGTCTATCCCCTGATTCAGAAAATTTTGATTGGA[A>C]AGCTATTCAGGAAGGTGCAAATTCCATAGTAAGTAGTTTACATCAAGCTGCTGCTGCTGC-3'
Protein context (NP_000029.2, residues 2092-2112): LSPDSENFDW[Lys2102Thr]AIQEGANSIV

ClinVar aggregate classification (germline): Uncertain significance (1 of 4 stars; one submission).

Conditions:
Familial adenomatous polyposis 1 (FAP1). Also called: FAMILIAL ADENOMATOUS POLYPOSIS 1, ATTENUATED; POLYPOSIS, ADENOMATOUS INTESTINAL. Identifiers: MedGen C2713442, MONDO:0021056, OMIM 175100. Disease mechanism: loss of function.

Submission:

Labcorp Genetics (formerly Invitae), Labcorp
Classification: Uncertain significance for Familial adenomatous polyposis 1. Last evaluated: 2021-03-29. Review status: criteria provided, single submitter. Criteria: Invitae Variant Classification Sherloc (09022015). Collection method: clinical testing. Allele origin: germline.
Comment: In summary, the available evidence is currently insufficient to determine the role of this variant in disease. Therefore, it has been classified as a Variant of Uncertain Significance. Algorithms developed to predict the effect of missense changes on protein structure and function (SIFT, PolyPhen-2, Align-GVGD) all suggest that this variant is likely to be disruptive, but these predictions have not been confirmed by published functional studies and their clinical significance is uncertain. This variant has not been reported in the literature in individuals with APC-related conditions. This variant is not present in population databases (ExAC no frequency). This sequence change replaces lysine with threonine at codon 2102 of the APC protein (p.Lys2102Thr). The lysine residue is highly conserved and there is a moderate physicochemical difference between lysine and threonine.